The following is an entry in ClinVar:

NM_001330078.2(NRXN1):c.520G>A (p.Val174Met)

Gene: NRXN1 (neurexin 1; minus strand). Cytogenetic location: 2p16.3.
Variant type: single nucleotide variant.
Coding change: c.520G>A on transcript NM_001330078.2 (MANE Select); coding-DNA position 520, G replaced by A.
Protein change: p.Val174Met; replaces valine 174 with methionine.
Molecular consequence: missense variant.
Genome position (GRCh38, 1-based): chr2:51,027,754, C>T on the plus strand (G>A on the coding strand, the complement: NRXN1 is on the minus strand). VCF-style: chr2-51027754-C-T. GRCh37 (hg19) VCF-style: chr2-51254892-C-T.
Other names: c.520G>A, p.Val174Met (NM_001135659.3, NM_001330077.2, NM_001330079.2 and 15 more transcripts); short protein forms V174M.
Identifiers: ClinVar variation 3650458 (VCV003650458.2).

ClinVar aggregate classification (germline): Uncertain significance (1 of 4 stars; one submission).

Conditions:
Pitt-Hopkins-like syndrome 2 (PTHSL2). Identifiers: Orphanet 221150, Orphanet 600663, MedGen C3280479, MONDO:0013690, OMIM 614325.

Submission:

Labcorp Genetics (formerly Invitae), Labcorp
Classification: Uncertain significance for Pitt-Hopkins-like syndrome 2. Last evaluated: 2024-04-20. Review status: criteria provided, single submitter. Criteria: Invitae Variant Classification Sherloc (09022015). Collection method: clinical testing. Allele origin: germline.
Comment: This sequence change replaces valine, which is neutral and non-polar, with methionine, which is neutral and non-polar, at codon 174 of the NRXN1 protein (p.Val174Met). This variant is not present in population databases (gnomAD no frequency). This variant has not been reported in the literature in individuals affected with NRXN1-related conditions. An algorithm developed to predict the effect of missense changes on protein structure and function (PolyPhen-2) suggests that this variant is likely to be disruptive. In summary, the available evidence is currently insufficient to determine the role of this variant in disease. Therefore, it has been classified as a Variant of Uncertain Significance.